The following is an entry in ClinVar:

NM_001166108.2(PALLD):c.2392A>G (p.Met798Val)

Genes: CBR4 (carbonyl reductase 4; minus strand), PALLD (palladin, cytoskeletal associated protein; plus strand). Cytogenetic location: 4q32.3.
Variant type: single nucleotide variant.
Coding change: c.2392A>G on transcript NM_001166108.2 (MANE Select); coding-DNA position 2392, A replaced by G.
Protein change: p.Met798Val; replaces methionine 798 with valine.
Molecular consequence: missense variant.
Genome position (GRCh38, 1-based): chr4:168,898,634, A>G. VCF-style: chr4-168898634-A-G. GRCh37 (hg19) VCF-style: chr4-169819785-A-G.
Other names: c.1195A>G, p.Met399Val (NM_001166109.2); c.880A>G, p.Met294Val (NM_001166110.2); c.220A>G, p.Met74Val (NM_001367567.1, NM_001367569.1); c.271A>G, p.Met91Val (NM_001367568.1, NM_001367570.1); c.2341A>G, p.Met781Val (NM_016081.4); c.880A>G (NM_001166110.1); short protein forms M399V, M74V, M798V, M781V, M91V, M294V.
Identifiers: ClinVar variation 2200656 (VCV002200656.5), dbSNP rs2533735211, ClinGen allele CA358799033.

ClinVar aggregate classification (germline): Uncertain significance. Review status: criteria provided, multiple submitters, no conflicts (2 of 4 stars). 2 submissions from 2 submitters: Uncertain significance (2). Last evaluated 2024-12-20.

Conditions:
Pancreatic adenocarcinoma. Identifiers: MedGen C0281361, MONDO:0006047, HP:0006725.

Submissions (2):

Ambry Genetics
Classification: Uncertain significance. Last evaluated: 2024-12-20. Review status: criteria provided, single submitter. Criteria: Ambry Variant Classification Scheme 2023. Collection method: clinical testing. Allele origin: germline.
Comment: The p.M294V variant (also known as c.880A>G), located in coding exon 4 of the PALLD gene, results from an A to G substitution at nucleotide position 880. The methionine at codon 294 is replaced by valine, an amino acid with highly similar properties. This amino acid position is conserved. In addition, this alteration is predicted to be tolerated by in silico analysis. Based on the available evidence, the clinical significance of this variant remains unclear.

Labcorp Genetics (formerly Invitae), Labcorp
Classification: Uncertain significance for Pancreatic adenocarcinoma. Last evaluated: 2022-06-18. Review status: criteria provided, single submitter. Criteria: Invitae Variant Classification Sherloc (09022015). Collection method: clinical testing. Allele origin: germline.
Comment: This variant is not present in population databases (gnomAD no frequency). In summary, the available evidence is currently insufficient to determine the role of this variant in disease. Therefore, it has been classified as a Variant of Uncertain Significance. Algorithms developed to predict the effect of sequence changes on RNA splicing suggest that this variant may create or strengthen a splice site. Algorithms developed to predict the effect of missense changes on protein structure and function output the following: SIFT: "Deleterious"; PolyPhen-2: "Benign"; Align-GVGD: "Class C15". The valine amino acid residue is found in multiple mammalian species, which suggests that this missense change does not adversely affect protein function. This variant has not been reported in the literature in individuals affected with PALLD-related conditions. This sequence change replaces methionine, which is neutral and non-polar, with valine, which is neutral and non-polar, at codon 294 of the PALLD protein (p.Met294Val).